The following is an entry in ClinVar:

NM_000391.4(TPP1):c.808G>C (p.Gly270Arg)

Gene: TPP1 (tripeptidyl peptidase 1; minus strand). Cytogenetic location: 11p15.4.
Variant type: single nucleotide variant.
Coding change: c.808G>C on transcript NM_000391.4 (MANE Select); coding-DNA position 808, G replaced by C.
Protein change: p.Gly270Arg; replaces glycine 270 with arginine.
Molecular consequence: missense variant.
Genome position (GRCh38, 1-based): chr11:6,616,739, C>G on the plus strand (G>C on the coding strand, the complement: TPP1 is on the minus strand). VCF-style: chr11-6616739-C-G. GRCh37 (hg19) VCF-style: chr11-6637970-C-G.
Other names: short protein forms G270R.
Identifiers: ClinVar variation 1761946 (VCV001761946.2), dbSNP rs561854371, ClinGen allele CA5858830.

ClinVar aggregate classification (germline): Uncertain significance (1 of 4 stars; one submission).

Conditions:
Inborn genetic diseases. Identifiers: MedGen C0950123, MeSH D030342.

Submission:

Ambry Genetics
Classification: Uncertain significance for Inborn genetic diseases. Last evaluated: 2018-07-25. Review status: criteria provided, single submitter. Criteria: Ambry Variant Classification Scheme 2023. Collection method: clinical testing. Allele origin: germline.
Comment: The p.G270R variant (also known as c.808G>C), located in coding exon 7 of the TPP1 gene, results from a G to C substitution at nucleotide position 808. The glycine at codon 270 is replaced by arginine, an amino acid with dissimilar properties. This amino acid position is highly conserved in available vertebrate species. In addition, this alteration is predicted to be deleterious by in silico analysis. Since supporting evidence is limited at this time, the clinical significance of this alteration remains unclear.